The following is an entry in ClinVar:

NC_000001.11:g.94025047CT[1]

Gene: ABCA4 (ATP binding cassette subfamily A member 4; minus strand). Cytogenetic location: 1p22.1.
Variant type: Microsatellite.
Genome position: GRCh38 VCF-style: chr1-94025045-TTC-T. GRCh37 (hg19) VCF-style: chr1-94490601-TTC-T.
Identifiers: ClinVar variation 1071107 (VCV001071107.7), dbSNP rs2101027818, ClinGen allele CA2580611178.

ClinVar aggregate classification (germline): Pathogenic (1 of 4 stars; one submission).

Submission:

Labcorp Genetics (formerly Invitae), Labcorp
Classification: Pathogenic. Last evaluated: 2020-03-05. Review status: criteria provided, single submitter. Criteria: Invitae Variant Classification Sherloc (09022015). Collection method: clinical testing. Allele origin: germline.
Comment: For these reasons, this variant has been classified as Pathogenic. Loss-of-function variants in ABCA4 are known to be pathogenic (PMID: 10958761, 24938718, 25312043, 26780318). This variant has not been reported in the literature in individuals with ABCA4-related conditions. This variant is not present in population databases (ExAC no frequency). This sequence change creates a premature translational stop signal (p.Arg1514Asnfs*40) in the ABCA4 gene. It is expected to result in an absent or disrupted protein product.

Literature cited by the submitters: PubMed 10958761; PubMed 24938718; PubMed 25312043; PubMed 26780318.